The following is an entry in ClinVar:

NM_012144.4(DNAI1):c.25C>G (p.Pro9Ala)

Gene: DNAI1 (dynein axonemal intermediate chain 1; plus strand). Cytogenetic location: 9p13.3.
Variant type: single nucleotide variant.
Coding change: c.25C>G on transcript NM_012144.4 (MANE Select); coding-DNA position 25, C replaced by G.
Protein change: p.Pro9Ala; replaces proline 9 with alanine.
Molecular consequence: missense variant.
Genome position (GRCh38, 1-based): chr9:34,459,030, C>G. VCF-style: chr9-34459030-C-G. GRCh37 (hg19) VCF-style: chr9-34459028-C-G.
Other names: c.25C>G, p.Pro9Ala (NM_001281428.2); short protein forms P9A.
Identifiers: ClinVar variation 3226200 (VCV003226200.1), dbSNP rs750045804, ClinGen allele CA5033872.

ClinVar aggregate classification (germline): Uncertain significance (1 of 4 stars; one submission).

Conditions:
Primary ciliary dyskinesia. Also called: Ciliary dyskinesia. Identifiers: Orphanet 244, MedGen C0008780, MONDO:0016575, HP:0012265.

Allele frequency attached by ClinVar (database versions not stated): ExAC 0.00002; gnomAD 0.00003.

Submission:

Ambry Genetics
Classification: Uncertain significance for Primary ciliary dyskinesia. Last evaluated: 2019-05-06. Review status: criteria provided, single submitter. Criteria: Ambry Variant Classification Scheme 2023. Collection method: clinical testing. Allele origin: germline.
Comment: The p.P9A variant (also known as c.25C>G), located in coding exon 1 of the DNAI1 gene, results from a C to G substitution at nucleotide position 25. The proline at codon 9 is replaced by alanine, an amino acid with highly similar properties. This amino acid position is well conserved in available vertebrate species. In addition, this alteration is predicted to be tolerated by in silico analysis. Since supporting evidence is limited at this time, the clinical significance of this alteration remains unclear.